The following is an entry in ClinVar:

ClinVar aggregate classification (germline): Uncertain significance. Review status: criteria provided, multiple submitters, no conflicts (2 of 4 stars). 2 submissions from 2 submitters: Uncertain significance (2). Last evaluated 2025-03-14.

Conditions:
Developmental and epileptic encephalopathy, 53. Also called: Epileptic encephalopathy, early infantile, 53. Identifiers: MedGen C4479313, MONDO:0033362, OMIM 617389.
Early-onset Parkinson disease 20. Also called: PARKINSON DISEASE 20, AUTOSOMAL RECESSIVE EARLY-ONSET. Identifiers: Orphanet 391411, MedGen C3809824, MONDO:0014233, OMIM 615530.

Allele frequency attached by ClinVar (database versions not stated): TOPMed below 0.00001; gnomAD 0.00001; gnomAD exomes 0.00001.
gnomAD v4.1: 12 of 1,614,020 alleles (0.00074%); highest among the groups gnomAD compares: East Asian, 0.0022%; no homozygotes.

Submissions (2):

Mayo Clinic Laboratories, Mayo Clinic
Classification: Uncertain significance. Last evaluated: 2025-03-14. Review status: criteria provided, single submitter. Criteria: ACMG Guidelines, 2015. Collection method: clinical testing. Allele origin: germline. Observed: 1 variant allele.
Comment: BP4_moderate

Labcorp Genetics (formerly Invitae), Labcorp
Classification: Uncertain significance for Developmental and epileptic encephalopathy, 53; Early-onset Parkinson disease 20. Last evaluated: 2022-10-13. Review status: criteria provided, single submitter. Criteria: Invitae Variant Classification Sherloc (09022015). Collection method: clinical testing. Allele origin: germline.
Comment: Algorithms developed to predict the effect of missense changes on protein structure and function output the following: SIFT: "Tolerated"; PolyPhen-2: "Benign"; Align-GVGD: "Class C0". The isoleucine amino acid residue is found in multiple mammalian species, which suggests that this missense change does not adversely affect protein function. In summary, the available evidence is currently insufficient to determine the role of this variant in disease. Therefore, it has been classified as a Variant of Uncertain Significance. This sequence change replaces valine, which is neutral and non-polar, with isoleucine, which is neutral and non-polar, at codon 1475 of the SYNJ1 protein (p.Val1475Ile). This variant is present in population databases (no rsID available, gnomAD 0.006%). This variant has not been reported in the literature in individuals affected with SYNJ1-related conditions.

NM_203446.3(SYNJ1):c.*394G>A

Gene: SYNJ1 (synaptojanin 1; minus strand). Cytogenetic location: 21q22.11.
Variant type: single nucleotide variant.
Coding change: c.*394G>A on transcript NM_203446.3 (MANE Select); 394 bases downstream of the stop codon, G replaced by A.
Molecular consequence: 3 prime UTR variant. On other transcripts: missense variant (2).
Genome position (GRCh38, 1-based): chr21:32,631,411, C>T on the plus strand (G>A on the coding strand, the complement: SYNJ1 is on the minus strand). VCF-style: chr21-32631411-C-T. GRCh37 (hg19) VCF-style: chr21-34003721-C-T.
Other names: p.Val1475Ile; c.*394G>A (NM_001160302.2); c.4165G>A, p.Val1389Ile (NM_001160306.2); c.4423G>A, p.Val1475Ile (NM_003895.4); short protein forms V1389I, V1475I.
Identifiers: ClinVar variation 1958034 (VCV001958034.6), dbSNP rs1220669120, ClinGen allele CA410081698.